The following is an entry in ClinVar:

NM_020693.4(DSCAML1):c.292G>C (p.Asp98His)

Gene: DSCAML1 (DS cell adhesion molecule like 1; minus strand). Cytogenetic location: 11q23.3.
Variant type: single nucleotide variant.
Coding change: c.292G>C on transcript NM_020693.4 (MANE Select); coding-DNA position 292, G replaced by C.
Protein change: p.Asp98His; replaces aspartic acid 98 with histidine.
Molecular consequence: missense variant. On other transcripts: 5 prime UTR variant (1).
Genome position (GRCh38, 1-based): chr11:117,780,565, C>G on the plus strand (G>C on the coding strand, the complement: DSCAML1 is on the minus strand). VCF-style: chr11-117780565-C-G. GRCh37 (hg19) VCF-style: chr11-117651280-C-G.
Other names: c.292G>C, p.Asp98His (NM_001367904.1); c.-117G>C (NM_001367905.1); short protein forms D98H.
Identifiers: ClinVar variation 2131150 (VCV002131150.4), dbSNP rs1276241297, ClinGen allele CA382760652.

ClinVar aggregate classification (germline): Uncertain significance (1 of 4 stars; one submission).

gnomAD v4.1: 1 of 1,556,792 alleles (0.000064%); highest among the groups gnomAD compares: Non-Finnish European, 0.000087%; no homozygotes.

Submission:

Labcorp Genetics (formerly Invitae), Labcorp
Classification: Uncertain significance. Last evaluated: 2023-07-10. Review status: criteria provided, single submitter. Criteria: Invitae Variant Classification Sherloc (09022015). Collection method: clinical testing. Allele origin: germline.
Comment: This variant is not present in population databases (gnomAD no frequency). In summary, the available evidence is currently insufficient to determine the role of this variant in disease. Therefore, it has been classified as a Variant of Uncertain Significance. An algorithm developed to predict the effect of missense changes on protein structure and function (PolyPhen-2) suggests that this variant is likely to be disruptive. ClinVar contains an entry for this variant (Variation ID: 2131150). This variant has not been reported in the literature in individuals affected with DSCAML1-related conditions. This sequence change replaces aspartic acid, which is acidic and polar, with histidine, which is basic and polar, at codon 158 of the DSCAML1 protein (p.Asp158His).